The following is an entry in ClinVar:

ClinVar aggregate classification (germline): Uncertain significance (1 of 4 stars; one submission).

Conditions:
Birt-Hogg-Dube syndrome. Also called: Birt Hogg Dubé syndrome. Identifiers: Orphanet 122, MedGen C0346010, MONDO:0800444.

Submission:

Labcorp Genetics (formerly Invitae), Labcorp
Classification: Uncertain significance for Birt-Hogg-Dube syndrome. Last evaluated: 2024-01-18. Review status: criteria provided, single submitter. Criteria: Invitae Variant Classification Sherloc (09022015). Collection method: clinical testing. Allele origin: germline.
Comment: This sequence change falls in intron 7 of the FLCN gene. It does not directly change the encoded amino acid sequence of the FLCN protein. It affects a nucleotide within the consensus splice site. This variant is not present in population databases (gnomAD no frequency). This variant has not been reported in the literature in individuals affected with FLCN-related conditions. Variants that disrupt the consensus splice site are a relatively common cause of aberrant splicing (PMID: 17576681, 9536098). In summary, the available evidence is currently insufficient to determine the role of this variant in disease. Therefore, it has been classified as a Variant of Uncertain Significance.

Literature cited by the submitters: PubMed 17576681; PubMed 9536098.

NM_144997.7(FLCN):c.780-2dup

Gene: FLCN (folliculin; minus strand). Cytogenetic location: 17p11.2.
Variant type: Duplication.
Coding change: c.780-2dup on transcript NM_144997.7 (MANE Select); the canonical splice acceptor site of the intron before coding-DNA position 780, one base duplicated (A; older notation c.780-2dupA).
Molecular consequence: splice acceptor variant.
Genome position (GRCh38, 1-based): chr17:17,221,630, T duplicated on the plus strand (A on the coding strand, the reverse complement: FLCN is on the minus strand). VCF-style (leftmost placement, unchanged base first): chr17-17221629-C-CT. GRCh37 (hg19) VCF-style: chr17-17124943-C-CT.
Other names: c.780-2dup (NM_001353231.2, NM_001353230.2, NM_144606.7); c.834-2dup (NM_001353229.2).
Identifiers: ClinVar variation 2710084 (VCV002710084.3), dbSNP rs2544221653, ClinGen allele CA2697559482.